The following is an entry in ClinVar:

ClinVar aggregate classification (germline): Uncertain significance. Review status: criteria provided, multiple submitters, no conflicts (2 of 4 stars). 5 submissions from 5 submitters: Uncertain significance (3). 2 of the submissions do not count toward it. Last evaluated 2025-11-03.

Conditions:
MHC class I deficiency. Identifiers: Orphanet 34592, MedGen C6024714, MONDO:0011476.

Allele frequency attached by ClinVar (database versions not stated): gnomAD exomes 0.00003 and 0.00006; gnomAD 0.00018 and 0.00015; ESP Exome Variant Server 0.00008; ExAC 0.00009; TOPMed 0.00009.
gnomAD v4.1: 114 of 1,614,106 alleles (0.0071%); highest among the groups gnomAD compares: East Asian, 0.031%; no homozygotes.

Submissions (5):

Labcorp Genetics (formerly Invitae), Labcorp
Classification: Uncertain significance for MHC class I deficiency 1. Last evaluated: 2025-11-03. Review status: criteria provided, single submitter. Criteria: Invitae Variant Classification Sherloc (09022015). Collection method: clinical testing. Allele origin: germline.
Comment: This sequence change replaces arginine, which is basic and polar, with glutamine, which is neutral and polar, at codon 438 of the TAP1 protein (p.Arg438Gln). This variant is present in population databases (rs373810087, gnomAD 0.06%). This variant has not been reported in the literature in individuals affected with TAP1-related conditions. ClinVar contains an entry for this variant (Variation ID: 466379). An algorithm developed to predict the effect of missense changes on protein structure and function (PolyPhen-2) suggests that this variant is likely to be disruptive. In summary, the available evidence is currently insufficient to determine the role of this variant in disease. Therefore, it has been classified as a Variant of Uncertain Significance.

Blueprint Genetics
Classification: Uncertain significance. Last evaluated: 2024-10-21. Review status: criteria provided, single submitter. Criteria: ACMG Guidelines, 2015. Collection method: clinical testing. Allele origin: germline.

Center for Genomics, Ann and Robert H. Lurie Children's Hospital of Chicago
Classification: Uncertain significance for MHC class I deficiency 1. Last evaluated: 2021-03-30. Review status: criteria provided, single submitter. Criteria: ACMG Guidelines, 2015. Collection method: clinical testing. Allele origin: germline.
Comment: TAP1 NM_000593.5 exon 5 p.Arg438Gln (c.1313G>A): This variant has not been reported in the literature but is present in 0.06% (12/19954) of East Asian alleles in the Genome Aggregation Database. This variant is present in ClinVar (Variation ID:466379). Evolutionary conservation and computational predictive tools suggest that this variant may impact the protein. In summary, data on this variant is insufficient for disease classification. Therefore, the clinical significance of this variant is uncertain.

Clinical Genetics DNA and cytogenetics Diagnostics Lab, Erasmus MC, Erasmus Medical Center
Classification: Uncertain significance. Review status: no assertion criteria provided. Collection method: clinical testing. Allele origin: germline. Affected: yes. Study: VKGL Data-share Consensus. Not counted in ClinVar's aggregate classification.

Diagnostic Laboratory, Department of Genetics, University Medical Center Groningen
Classification: Uncertain significance. Review status: no assertion criteria provided. Collection method: clinical testing. Allele origin: germline. Affected: yes. Study: VKGL Data-share Consensus. Not counted in ClinVar's aggregate classification.

NM_000593.6(TAP1):c.1133G>A (p.Arg378Gln)

Gene: TAP1 (transporter 1, ATP binding cassette subfamily B member; minus strand). Cytogenetic location: 6p21.32.
Variant type: single nucleotide variant.
Coding change: c.1133G>A on transcript NM_000593.6 (MANE Select); coding-DNA position 1133, G replaced by A.
Protein change: p.Arg378Gln; replaces arginine 378 with glutamine.
Molecular consequence: missense variant.
Genome position (GRCh38, 1-based): chr6:32,850,435, C>T on the plus strand (G>A on the coding strand, the complement: TAP1 is on the minus strand). VCF-style: chr6-32850435-C-T. GRCh37 (hg19) VCF-style: chr6-32818212-C-T.
Other names: c.530G>A, p.Arg177Gln (NM_001292022.2); short protein forms R438Q, R177Q, R378Q.
Identifiers: ClinVar variation 466379 (VCV000466379.11), dbSNP rs373810087, ClinGen allele CA3746851.